The following is an entry in ClinVar:

NM_000548.5(TSC2):c.5029G>T (p.Asp1677Tyr)

Gene: TSC2 (TSC complex subunit 2; plus strand). Cytogenetic location: 16p13.3.
Variant type: single nucleotide variant.
Coding change: c.5029G>T on transcript NM_000548.5 (MANE Select); coding-DNA position 5029, G replaced by T.
Protein change: p.Asp1677Tyr; replaces aspartic acid 1677 with tyrosine.
Molecular consequence: missense variant.
Genome position (GRCh38, 1-based): chr16:2,087,902, G>T. VCF-style: chr16-2087902-G-T. GRCh37 (hg19) VCF-style: chr16-2137903-G-T.
Other names: c.4429G>T, p.Asp1477Tyr (NM_001406680.1); c.4369G>T, p.Asp1457Tyr (NM_001406681.1); c.4360G>T, p.Asp1454Tyr (NM_001406682.1, NM_001406683.1); c.4357G>T, p.Asp1453Tyr (NM_001406684.1); c.4231G>T, p.Asp1411Tyr (NM_001406685.1, NM_001406686.1); c.4228G>T, p.Asp1410Tyr (NM_001406687.1, NM_001406688.1); c.3616G>T, p.Asp1206Tyr (NM_001406689.1); c.4828G>T, p.Asp1610Tyr (NM_001077183.3); and 26 more; short protein forms D1185Y, D1433Y, D1453Y, D1573Y, D1574Y, D1611Y, D1617Y, D1634Y.
Identifiers: ClinVar variation 1744873 (VCV001744873.4), dbSNP rs1163037065, ClinGen allele CA394311295.

ClinVar aggregate classification (germline): Uncertain significance. Review status: criteria provided, multiple submitters, no conflicts (2 of 4 stars). 2 submissions from 2 submitters: Uncertain significance (2). Last evaluated 2026-03-23.

Conditions:
Hereditary cancer-predisposing syndrome. Also called: Neoplastic Syndromes, Hereditary; Tumor predisposition; Hereditary Cancer Syndrome; Hereditary neoplastic syndrome. Identifiers: Orphanet 140162, MedGen C0027672, MeSH D009386, MONDO:0015356.
Lymphangiomyomatosis (LAM). Also called: Lymphangioleiomyomatosis; Lymphangioleiomyomatosis, somatic. Identifiers: Orphanet 538, MedGen C0751674, MONDO:0011705, OMIM 606690.
Tuberous sclerosis 2 (TSC2). Identifiers: Orphanet 805, MedGen C1860707, MONDO:0013199, OMIM 613254.
Isolated focal cortical dysplasia type II (FCORD2). Also called: CORTICAL DYSPLASIA OF TAYLOR; Focal cortical dysplasia type II. Identifiers: Orphanet 268994, MedGen C1846385, MONDO:0011818, OMIM 607341, HP:0032051.

Submissions (2):

Ambry Genetics
Classification: Uncertain significance for Hereditary cancer-predisposing syndrome. Last evaluated: 2026-03-23. Review status: criteria provided, single submitter. Criteria: Ambry Variant Classification Scheme 2023. Collection method: clinical testing. Allele origin: germline.
Comment: The p.D1677Y variant (also known as c.5029G>T), located in coding exon 38 of the TSC2 gene, results from a G to T substitution at nucleotide position 5029. The aspartic acid at codon 1677 is replaced by tyrosine, an amino acid with highly dissimilar properties. This amino acid position is highly conserved in available vertebrate species. In addition, this alteration is predicted to be deleterious by in silico analysis. Since supporting evidence is limited at this time, the clinical significance of this alteration remains unclear.

Fulgent Genetics
Classification: Uncertain significance for Lymphangiomyomatosis; Isolated focal cortical dysplasia type II; Tuberous sclerosis 2. Last evaluated: 2024-04-25. Review status: criteria provided, single submitter. Criteria: ACMG Guidelines, 2015. Collection method: clinical testing. Allele origin: germline.